The following is an entry in ClinVar:

ClinVar aggregate classification (germline): Uncertain significance (1 of 4 stars; one submission).

gnomAD v4.1: 1 of 1,613,656 alleles (0.000062%); highest among the groups gnomAD compares: Non-Finnish European, 0.000085%; no homozygotes.

Submission:

GeneDx
Classification: Uncertain significance. Last evaluated: 2026-10-08. Review status: criteria provided, single submitter. Criteria: GeneDx Variant Classification Process June 2021. Collection method: clinical testing. Allele origin: germline.
Comment: Not observed at significant frequency in large population cohorts (gnomAD); In silico analysis supports that this missense variant has a deleterious effect on protein structure/function; Has not been previously published as pathogenic or benign to our knowledge; This substitution is predicted to be within the intracellular loop between the S2 and S3 transmembrane segments of the fourth homologous domain

NM_001040142.2(SCN2A):c.4756C>T (p.Arg1586Cys)

Gene: SCN2A (sodium voltage-gated channel alpha subunit 2; plus strand). Cytogenetic location: 2q24.3.
Variant type: single nucleotide variant.
Coding change: c.4756C>T on transcript NM_001040142.2 (MANE Select); coding-DNA position 4756, C replaced by T.
Protein change: p.Arg1586Cys; replaces arginine 1586 with cysteine.
Molecular consequence: missense variant.
Genome position (GRCh38, 1-based): chr2:165,386,950, C>T. VCF-style: chr2-165386950-C-T. GRCh37 (hg19) VCF-style: chr2-166243460-C-T.
Other names: c.4756C>T, p.Arg1586Cys (NM_001040143.2, NM_001371246.1, NM_001371247.1 and 1 more transcripts); short protein forms R1586C.
Identifiers: ClinVar variation 3373709 (VCV003373709.2).
Genomic context (GRCh38, chr2:165,386,950, plus strand): 5'-ATTAATCTGGTGTTTATTGTTCTGTTCACTGGAGAATGTGTGCTGAAACTGATCTCTCTT[C>T]GTTACTACTATTTCACTATTGGATGGAATATTTTTGATTTTGTGGTGGTCATTCTCTCCA-3'
Protein context (NP_001035232.1, residues 1576-1596): GECVLKLISL[Arg1586Cys]YYYFTIGWNI